The following is an entry in ClinVar:

NM_170606.3(KMT2C):c.10606C>T (p.His3536Tyr)

Gene: KMT2C (lysine methyltransferase 2C; minus strand). Cytogenetic location: 7q36.1.
Variant type: single nucleotide variant.
Coding change: c.10606C>T on transcript NM_170606.3 (MANE Select); coding-DNA position 10606, C replaced by T.
Protein change: p.His3536Tyr; replaces histidine 3536 with tyrosine.
Molecular consequence: missense variant.
Genome position (GRCh38, 1-based): chr7:152,162,971, G>A on the plus strand (C>T on the coding strand, the complement: KMT2C is on the minus strand). VCF-style: chr7-152162971-G-A. GRCh37 (hg19) VCF-style: chr7-151860056-G-A.
Other names: short protein forms H3536Y.
Identifiers: ClinVar variation 3776386 (VCV003776386.1).
Genomic context (GRCh38, chr7:152,162,971, plus strand): 5'-CAGGTGTAAAAGAAGGCCTCACTGGGGACTGCTGGAAGCTGGTCCCAGAAAGATTTCCAT[G>A]TCCCTGCTTCACAGAAGAAAAATTTGGGCTTCCAACAGGGATTGATGGTGAATCAGGAAC-3'
Protein context (NP_733751.2, residues 3526-3546): SPNFSSVKQG[His3536Tyr]GNLSGTSFQQ

ClinVar aggregate classification (germline): Uncertain significance (1 of 4 stars; one submission).

gnomAD v4.1: 2 of 1,614,054 alleles (0.00012%); highest among the groups gnomAD compares: African/African-American, 0.0027%; no homozygotes.

Submission:

GeneDx
Classification: Uncertain significance. Last evaluated: 2024-10-02. Review status: criteria provided, single submitter. Criteria: GeneDx Variant Classification Process June 2021. Collection method: clinical testing. Allele origin: germline. Affected: yes.
Comment: In silico analysis supports that this missense variant has a deleterious effect on protein structure/function; Has not been previously published as pathogenic or benign to our knowledge